The following is an entry in ClinVar:

NM_018192.4(P3H2):c.1996G>A (p.Ala666Thr)

Gene: P3H2 (prolyl 3-hydroxylase 2; minus strand). Cytogenetic location: 3q28.
Variant type: single nucleotide variant.
Coding change: c.1996G>A on transcript NM_018192.4 (MANE Select); coding-DNA position 1996, G replaced by A.
Protein change: p.Ala666Thr; replaces alanine 666 with threonine.
Molecular consequence: missense variant.
Genome position (GRCh38, 1-based): chr3:189,963,996, C>T on the plus strand (G>A on the coding strand, the complement: P3H2 is on the minus strand). VCF-style: chr3-189963996-C-T. GRCh37 (hg19) VCF-style: chr3-189681785-C-T.
Other names: c.1453G>A, p.Ala485Thr (NM_001134418.2); short protein forms A666T, A485T.
Identifiers: ClinVar variation 933534 (VCV000933534.4), dbSNP rs377236809, ClinGen allele CA89715980.

ClinVar aggregate classification (germline): Uncertain significance (1 of 4 stars; one submission).

Allele frequency attached by ClinVar (database versions not stated): gnomAD 0.00001; TOPMed 0.00001; ESP Exome Variant Server 0.00008.
gnomAD v4.1: 33 of 1,614,006 alleles (0.002%); highest among the groups gnomAD compares: Non-Finnish European, 0.0024%; no homozygotes.

Submission:

Labcorp Genetics (formerly Invitae), Labcorp
Classification: Uncertain significance. Last evaluated: 2019-11-05. Review status: criteria provided, single submitter. Criteria: Invitae Variant Classification Sherloc (09022015). Collection method: clinical testing. Allele origin: germline.
Comment: In summary, the available evidence is currently insufficient to determine the role of this variant in disease. Therefore, it has been classified as a Variant of Uncertain Significance. Algorithms developed to predict the effect of missense changes on protein structure and function are either unavailable or do not agree on the potential impact of this missense change (SIFT: "Deleterious"; PolyPhen-2: "Probably Damaging"; Align-GVGD: "Class C0"). This variant has not been reported in the literature in individuals with P3H2-related conditions. This variant is not present in population databases (ExAC no frequency). This sequence change replaces alanine with threonine at codon 666 of the P3H2 protein (p.Ala666Thr). The alanine residue is highly conserved and there is a small physicochemical difference between alanine and threonine.